The following is an entry in ClinVar:

NM_001291303.3(FAT4):c.11341G>A (p.Val3781Ile)

Gene: FAT4 (FAT atypical cadherin 4; plus strand). Cytogenetic location: 4q28.1.
Variant type: single nucleotide variant.
Coding change: c.11341G>A on transcript NM_001291303.3 (MANE Select); coding-DNA position 11341, G replaced by A.
Protein change: p.Val3781Ile; replaces valine 3781 with isoleucine.
Molecular consequence: missense variant.
Genome position (GRCh38, 1-based): chr4:125,452,351, G>A. VCF-style: chr4-125452351-G-A. GRCh37 (hg19) VCF-style: chr4-126373506-G-A.
Other names: c.11341G>A, p.Val3781Ile (NM_001291285.3); c.11335G>A, p.Val3779Ile (NM_024582.6); c.11335G>A (NM_024582.5, NM_024582.4); short protein forms V3779I, V3781I.
Identifiers: ClinVar variation 1418570 (VCV001418570.8), dbSNP rs764537596, ClinGen allele CA104883095.

ClinVar aggregate classification (germline): Uncertain significance. Review status: criteria provided, multiple submitters, no conflicts (2 of 4 stars). 3 submissions from 3 submitters: Uncertain significance (3). Last evaluated 2025-05-26.

Conditions:
Inborn genetic diseases. Identifiers: MedGen C0950123, MeSH D030342.
Hennekam lymphangiectasia-lymphedema syndrome 2 (HKLLS2). Identifiers: Orphanet 2136, MedGen C4014939, MONDO:0014454, OMIM 616006.
Van Maldergem syndrome 2 (VMLDS2). Identifiers: Orphanet 314679, MedGen C3809875, MONDO:0014242, OMIM 615546.

Allele frequency attached by ClinVar (database versions not stated): gnomAD 0.00001; gnomAD exomes 0.00001; TOPMed 0.00002.
gnomAD v4.1: 13 of 1,614,066 alleles (0.00081%); highest among the groups gnomAD compares: African/African-American, 0.004%; no homozygotes.

Submissions (3):

Ambry Genetics
Classification: Uncertain significance for Inborn genetic diseases. Last evaluated: 2025-05-26. Review status: criteria provided, single submitter. Criteria: Ambry Variant Classification Scheme 2023. Collection method: clinical testing. Allele origin: germline.

Fulgent Genetics
Classification: Uncertain significance for Van Maldergem syndrome 2; Hennekam lymphangiectasia-lymphedema syndrome 2. Last evaluated: 2024-06-13. Review status: criteria provided, single submitter. Criteria: ACMG Guidelines, 2015. Collection method: clinical testing. Allele origin: germline.

Labcorp Genetics (formerly Invitae), Labcorp
Classification: Uncertain significance. Last evaluated: 2023-07-14. Review status: criteria provided, single submitter. Criteria: Invitae Variant Classification Sherloc (09022015). Collection method: clinical testing. Allele origin: germline.
Comment: ClinVar contains an entry for this variant (Variation ID: 1418570). This variant has not been reported in the literature in individuals affected with FAT4-related conditions. This variant is not present in population databases (gnomAD no frequency). This sequence change replaces valine, which is neutral and non-polar, with isoleucine, which is neutral and non-polar, at codon 3779 of the FAT4 protein (p.Val3779Ile). In summary, the available evidence is currently insufficient to determine the role of this variant in disease. Therefore, it has been classified as a Variant of Uncertain Significance. Advanced modeling of protein sequence and biophysical properties (such as structural, functional, and spatial information, amino acid conservation, physicochemical variation, residue mobility, and thermodynamic stability) performed at Invitae indicates that this missense variant is not expected to disrupt FAT4 protein function.